The following is an entry in ClinVar:

ClinVar aggregate classification (germline): Uncertain significance (1 of 4 stars; one submission).

Allele frequency attached by ClinVar (database versions not stated): gnomAD exomes 0.00001; ExAC 0.00005; gnomAD 0.00008; TOPMed 0.00011; ESP Exome Variant Server 0.00023.

Submission:

Labcorp Genetics (formerly Invitae), Labcorp
Classification: Uncertain significance. Last evaluated: 2024-02-23. Review status: criteria provided, single submitter. Criteria: Invitae Variant Classification Sherloc (09022015). Collection method: clinical testing. Allele origin: germline.
Comment: This sequence change replaces glycine, which is neutral and non-polar, with valine, which is neutral and non-polar, at codon 888 of the SLIT2 protein (p.Gly888Val). This variant is present in population databases (rs147488852, gnomAD 0.03%). This variant has not been reported in the literature in individuals affected with SLIT2-related conditions. An algorithm developed to predict the effect of missense changes on protein structure and function (PolyPhen-2) suggests that this variant is likely to be disruptive. In summary, the available evidence is currently insufficient to determine the role of this variant in disease. Therefore, it has been classified as a Variant of Uncertain Significance.

NM_004787.4(SLIT2):c.2663G>T (p.Gly888Val)

Gene: SLIT2 (slit guidance ligand 2; plus strand). Cytogenetic location: 4p15.31.
Variant type: single nucleotide variant.
Coding change: c.2663G>T on transcript NM_004787.4 (MANE Select); coding-DNA position 2663, G replaced by T.
Protein change: p.Gly888Val; replaces glycine 888 with valine.
Molecular consequence: missense variant.
Genome position (GRCh38, 1-based): chr4:20,553,906, G>T. VCF-style: chr4-20553906-G-T. GRCh37 (hg19) VCF-style: chr4-20555529-G-T.
Other names: c.2651G>T, p.Gly884Val (NM_001289135.3); c.2639G>T, p.Gly880Val (NM_001289136.3); short protein forms G884V, G888V, G880V.
Identifiers: ClinVar variation 3021991 (VCV003021991.3), dbSNP rs147488852, ClinGen allele CA2871896.